The following is an entry in ClinVar:

ClinVar aggregate classification (germline): Uncertain significance (1 of 4 stars; one submission).

Allele frequency attached by ClinVar (database versions not stated): TOPMed 0.00005; ESP Exome Variant Server 0.00008; gnomAD 0.00008 and 0.00010; 1000 Genomes Project 30x 0.00016; 1000 Genomes Project 0.00020.
gnomAD v4.1: 180 of 1,611,818 alleles (0.011%); highest among the groups gnomAD compares: East Asian, 0.26%; no homozygotes.

Submission:

Labcorp Genetics (formerly Invitae), Labcorp
Classification: Uncertain significance. Last evaluated: 2021-04-07. Review status: criteria provided, single submitter. Criteria: Invitae Variant Classification Sherloc (09022015). Collection method: clinical testing. Allele origin: germline.
Comment: In summary, the available evidence is currently insufficient to determine the role of this variant in disease. Therefore, it has been classified as a Variant of Uncertain Significance. Algorithms developed to predict the effect of missense changes on protein structure and function (SIFT, PolyPhen-2, Align-GVGD) all suggest that this variant is likely to be tolerated, but these predictions have not been confirmed by published functional studies and their clinical significance is uncertain. This sequence change replaces valine with isoleucine at codon 378 of the CASZ1 protein (p.Val378Ile). The valine residue is moderately conserved and there is a small physicochemical difference between valine and isoleucine. This variant has not been reported in the literature in individuals with CASZ1-related conditions. This variant is present in population databases (rs137936205, ExAC 0.1%).

NM_001079843.3(CASZ1):c.1132G>A (p.Val378Ile)

Gene: CASZ1 (castor zinc finger 1; minus strand). Cytogenetic location: 1p36.22.
Variant type: single nucleotide variant.
Coding change: c.1132G>A on transcript NM_001079843.3 (MANE Select); coding-DNA position 1132, G replaced by A.
Protein change: p.Val378Ile; replaces valine 378 with isoleucine.
Molecular consequence: missense variant.
Genome position (GRCh38, 1-based): chr1:10,659,910, C>T on the plus strand (G>A on the coding strand, the complement: CASZ1 is on the minus strand). VCF-style: chr1-10659910-C-T. GRCh37 (hg19) VCF-style: chr1-10719967-C-T.
Other names: c.1132G>A, p.Val378Ile (NM_017766.5); short protein forms V378I.
Identifiers: ClinVar variation 1390933 (VCV001390933.8), dbSNP rs137936205, ClinGen allele CA585232.